The following is an entry in ClinVar:

ClinVar aggregate classification (germline): Likely benign (1 of 4 stars; one submission).

gnomAD v4.1: 211 of 1,612,288 alleles (0.013%); highest among the groups gnomAD compares: Non-Finnish European, 0.015%; no homozygotes.

Submission:

CeGaT Center for Human Genetics Tuebingen
Classification: Likely benign. Last evaluated: 2026-09-01. Review status: criteria provided, single submitter. Criteria: CeGaT Center For Human Genetics Tuebingen Variant Classification Criteria Version 2. Collection method: clinical testing. Allele origin: germline. Affected: yes. Observed: 1 variant allele.
Comment: JPH3: BP4, BP7

NM_020655.4(JPH3):c.1332C>T (p.Ile444=)

Gene: JPH3 (junctophilin 3; plus strand). Cytogenetic location: 16q24.2.
Variant type: single nucleotide variant.
Coding change: c.1332C>T on transcript NM_020655.4 (MANE Select); coding-DNA position 1332, C replaced by T.
Protein change: p.Ile444=; no amino-acid change (isoleucine 444 retained).
Molecular consequence: synonymous variant. On other transcripts: non-coding transcript variant (1).
Genome position (GRCh38, 1-based): chr16:87,689,692, C>T. VCF-style: chr16-87689692-C-T. GRCh37 (hg19) VCF-style: chr16-87723298-C-T.
Identifiers: ClinVar variation 5040980 (VCV005040980.1).